The following is an entry in ClinVar:

NM_001382.4(DPAGT1):c.271C>T (p.Pro91Ser)

Genes: DPAGT1 (dolichyl-phosphate N-acetylglucosaminephosphotransferase 1; minus strand), LOC126861360 (BRD4-independent group 4 enhancer GRCh37_chr11:118972216-118973415; plus strand). Cytogenetic location: 11q23.3.
Variant type: single nucleotide variant.
Coding change: c.271C>T on transcript NM_001382.4 (MANE Select); coding-DNA position 271, C replaced by T.
Protein change: p.Pro91Ser; replaces proline 91 with serine.
Molecular consequence: missense variant.
Genome position (GRCh38, 1-based): chr11:119,101,029, G>A on the plus strand (C>T on the coding strand, the complement: DPAGT1 is on the minus strand). VCF-style: chr11-119101029-G-A. GRCh37 (hg19) VCF-style: chr11-118971739-G-A.
Other names: short protein forms P91S.
Identifiers: ClinVar variation 1065832 (VCV001065832.3), dbSNP rs2134915769, ClinGen allele CA382915579.
Genomic context (GRCh38, chr11:119,101,029, plus strand): 5'-TACCTCCCAGGTCCCAGCCACAGGCAATCACCCCCACGAACCCACTTACTTCATGGTGGG[G>A]GAATGCCTTACACTGCTCCTTCACAAAGCAGTTCAGGAAGGGGAAAGGGATGAAGCAGAA-3'
Protein context (NP_001373.2, residues 81-101): CFVKEQCKAF[Pro91Ser]HHEFVALIGA

ClinVar aggregate classification (germline): Uncertain significance (1 of 4 stars; one submission).

Conditions:
Congenital myasthenic syndrome 13 (CMS13). Also called: Myasthenic syndrome, congenital, 13, with tubular aggregates; Myasthenic syndrome, congenital, with tubular aggregates 2. Identifiers: Orphanet 353327, Orphanet 590, MedGen C3553645, MONDO:0013883, OMIM 614750.

Allele frequency attached by ClinVar (database versions not stated): gnomAD exomes below 0.00001.
gnomAD v4.1: 1 of 1,614,178 alleles (0.000062%); highest among the groups gnomAD compares: Non-Finnish European, 0.000085%; no homozygotes.

Submission:

Institute of Human Genetics, University of Goettingen
Classification: Uncertain significance for Congenital myasthenic syndrome 13. Last evaluated: 2021-05-07. Review status: criteria provided, single submitter. Criteria: ACMG Guidelines, 2015. Collection method: clinical testing. Allele origin: unknown. Inheritance: Autosomal recessive inheritance. Observed: 1 variant allele, 1 heterozygote.
Comment: The variant c.271C>T (p.(Pro91Ser)) in exon 2 of the DPAGT1-gene is not found in the gnomAD database, it affects a highly conserved nucleotide a highly conserved amino acid and there is a moderate physicochemical difference between Pro and Ser. This variant has a pathogenic computational verdict based on 12 pathogenic predictions from BayesDel_addAF, CADD, DANN, DEOGEN2, EIGEN, FATHMM-MKL, LIST-S2, M-CAP, MVP, MutationAssessor, MutationTaster and SIFT vs 2 benign predictions from Polyphen2-HVAR and PrimateAI. ACMG criteria used for classification: PM2, PP3, PP2.